The following is an entry in ClinVar:

ClinVar aggregate classification (germline): Likely pathogenic (1 of 4 stars; one submission).

Conditions:
Autosomal recessive limb-girdle muscular dystrophy type 2J (LGMDR10). Also called: Limb-girdle muscular dystrophy, type 2J; MUSCULAR DYSTROPHY, LIMB-GIRDLE, AUTOSOMAL RECESSIVE 10. Identifiers: Orphanet 140922, MedGen C1837342, MONDO:0012127, OMIM 608807.
Dilated cardiomyopathy 1G (CMD1G). Identifiers: Orphanet 154, MedGen C1858763, MONDO:0011400, OMIM 604145.

Submission:

Labcorp Genetics (formerly Invitae), Labcorp
Classification: Likely pathogenic for Dilated cardiomyopathy 1G; Autosomal recessive limb-girdle muscular dystrophy type 2J. Last evaluated: 2018-10-14. Review status: criteria provided, single submitter. Criteria: Invitae Variant Classification Sherloc (09022015). Collection method: clinical testing. Allele origin: germline.
Comment: In summary, the currently available evidence indicates that the variant is pathogenic, but additional data are needed to prove that conclusively. Therefore, this variant has been classified as Likely Pathogenic. This variant is located in the A band of TTN (PMID: 25589632). Truncating variants in this region are significantly overrepresented in patients affected with dilated cardiomyopathy (PMID: 25589632). Truncating variants in this region have also been reported in individuals affected with autosomal recessive centronuclear myopathy (PMID: 23975875). This variant has not been reported in the literature in individuals with TTN-related disease. This variant is not present in population databases (ExAC no frequency). This sequence change results in a premature translational stop signal in the TTN gene (p.Lys27409Argfs*39). While this is not anticipated to result in nonsense mediated decay, it is expected to create a truncated TTN protein.

Literature cited by the submitters: PubMed 25589632; PubMed 23975875.

NM_001267550.2(TTN):c.82226del (p.Lys27409fs)

Genes: TTN (titin; minus strand), TTN-AS1 (TTN antisense RNA 1; plus strand). Cytogenetic location: 2q31.2.
Variant type: Deletion.
Coding change: c.82226del on transcript NM_001267550.2 (MANE Select); coding-DNA position 82226, one base deleted (A; older notation c.82226delA).
Protein change: p.Lys27409fs; shifts the reading frame from lysine 27409.
Molecular consequence: frameshift variant.
Genome position (GRCh38, 1-based): chr2:178,563,906, T deleted on the plus strand (A on the coding strand, the reverse complement: TTN is on the minus strand); the first of 4 consecutive T bases (chr2:178,563,906-178,563,909); deleting any one gives the same sequence. VCF-style (leftmost placement, unchanged base first): chr2-178563905-CT-C. GRCh37 (hg19) VCF-style: chr2-179428632-CT-C.
Other names: c.77303del, p.Lys25768fs (NM_001256850.1); c.55031del, p.Lys18344fs (NM_003319.4); c.74522del, p.Lys24841fs (NM_133378.4); c.55406del, p.Lys18469fs (NM_133432.3); c.55607del, p.Lys18536fs (NM_133437.4); c.82226delA (NM_001267550.2); short protein forms K18469fs, K27409fs, K18344fs, K18536fs, K24841fs, K25768fs.
Identifiers: ClinVar variation 651411 (VCV000651411.9), dbSNP rs1575653015, ClinGen allele CA915942228.
Genomic context (GRCh38, chr2:178,563,905, plus strand): 5'-GTAGTTAAGGGCCTGTACCTCAGTTGAAACCTGGGTCCAAGAGAGTCGGCTTGTCTCCCT[CT>C]TTTCAATGATGTAATGTGAAATATTAGCACCACCATCTTGCAAAGGTGGGTTCCATGCCA-3'